The following is an entry in ClinVar:

ClinVar aggregate classification (germline): Conflicting classifications of pathogenicity. Review status: criteria provided, conflicting classifications (1 of 4 stars). 3 submissions from 3 submitters: Uncertain significance (1); Likely benign (2). Last evaluated 2025-04-09.

Conditions:
Developmental and epileptic encephalopathy, 11 (DEE11). Also called: Early infantile epileptic encephalopathy 11. Identifiers: Orphanet 1934, MedGen C3150987, MONDO:0013388, OMIM 613721.
Seizures, benign familial infantile, 3 (BFIS3). Also called: Familial neonatal seizures; CONVULSIONS, BENIGN FAMILIAL INFANTILE, 3. Identifiers: Orphanet 140927, Orphanet 306, MedGen C1843140, MONDO:0011904, OMIM 607745.

Submissions (3):

Labcorp Genetics (formerly Invitae), Labcorp
Classification: Likely benign for Seizures, benign familial infantile, 3; Developmental and epileptic encephalopathy, 11. Last evaluated: 2025-04-09. Review status: criteria provided, single submitter. Criteria: Invitae Variant Classification Sherloc (09022015). Collection method: clinical testing. Allele origin: germline.

Greenwood Genetic Center Diagnostic Laboratories, Greenwood Genetic Center
Classification: Uncertain significance. Last evaluated: 2023-11-16. Review status: criteria provided, single submitter. Criteria: ACMG Guidelines, 2015. Collection method: clinical testing. Allele origin: germline. Affected: yes.
Comment: PM2, BP7

Women's Health and Genetics/Laboratory Corporation of America, LabCorp
Classification: Likely benign. Last evaluated: 2023-09-20. Review status: criteria provided, single submitter. Criteria: LabCorp Variant Classification Summary - May 2015. Collection method: clinical testing. Allele origin: germline.
Comment: Variant summary: SCN2A c.81A>G alters a conserved nucleotide resulting in a synonymous change. Consensus agreement among computation tools predict no significant impact on normal splicing. However, these predictions have yet to be confirmed by functional studies. The variant was absent in 251020 control chromosomes. The available data on variant occurrences in the general population are insufficient to allow any conclusion about variant significance. To our knowledge, no occurrence of c.81A>G in individuals affected with Early Infantile Epileptic Encephalopathy 11 and no experimental evidence demonstrating its impact on protein function have been reported. One submitter has cited clinical-significance assessments for this variant to ClinVar after 2014 and has classified the variant as uncertain significance. Based on the evidence outlined above, the variant was classified as likely benign.

NM_001040142.2(SCN2A):c.81A>G (p.Gln27=)

Gene: SCN2A (sodium voltage-gated channel alpha subunit 2; plus strand). Cytogenetic location: 2q24.3.
Variant type: single nucleotide variant.
Coding change: c.81A>G on transcript NM_001040142.2 (MANE Select); coding-DNA position 81, A replaced by G.
Protein change: p.Gln27=; no amino-acid change (glutamine 27 retained).
Molecular consequence: synonymous variant.
Genome position (GRCh38, 1-based): chr2:165,295,904, A>G. VCF-style: chr2-165295904-A-G. GRCh37 (hg19) VCF-style: chr2-166152414-A-G.
Other names: c.81A>G, p.Gln27= (NM_001040143.2, NM_001371246.1, NM_001371247.1 and 1 more transcripts); c.81A>G (NM_021007.2).
Identifiers: ClinVar variation 1508902 (VCV001508902.12), dbSNP rs1162322343, ClinGen allele CA429883670.